The following is an entry in ClinVar:

NM_000038.6(APC):c.6713A>T (p.Asn2238Ile)

Gene: APC (APC regulator of Wnt signaling pathway; plus strand). Cytogenetic location: 5q22.2.
Variant type: single nucleotide variant.
Coding change: c.6713A>T on transcript NM_000038.6 (MANE Select); coding-DNA position 6713, A replaced by T.
Protein change: p.Asn2238Ile; replaces asparagine 2238 with isoleucine.
Molecular consequence: missense variant.
Genome position (GRCh38, 1-based): chr5:112,842,307, A>T. VCF-style: chr5-112842307-A-T. GRCh37 (hg19) VCF-style: chr5-112178004-A-T.
Other names: c.6767A>T, p.Asn2256Ile (NM_001407449.1, NM_001354896.2, NM_001407447.1 and 1 more transcripts); c.6713A>T, p.Asn2238Ile (NM_001407450.1, NM_001127510.3, NM_001354895.2); c.6692A>T, p.Asn2231Ile (NM_001407451.1); c.6683A>T, p.Asn2228Ile (NM_001407452.1); c.6536A>T, p.Asn2179Ile (NM_001407453.1, NM_001354901.2); c.6464A>T, p.Asn2155Ile (NM_001407454.1, NM_001407455.1, NM_001407456.1 and 1 more transcripts); c.6410A>T, p.Asn2137Ile (NM_001407458.1, NM_001407459.1, NM_001407460.1 and 1 more transcripts); c.6326A>T, p.Asn2109Ile (NM_001407467.1, NM_001407469.1); and 11 more; short protein forms N2078I, N2109I, N2231I, N2256I, N2137I, N2179I, N2228I, N2238I.
Identifiers: ClinVar variation 1755058 (VCV001755058.2), dbSNP rs1766281998, ClinGen allele CA16036003.

ClinVar aggregate classification (germline): Uncertain significance (1 of 4 stars; one submission).

Conditions:
Hereditary cancer-predisposing syndrome. Also called: Neoplastic Syndromes, Hereditary; Tumor predisposition; Hereditary Cancer Syndrome; Hereditary neoplastic syndrome. Identifiers: Orphanet 140162, MedGen C0027672, MeSH D009386, MONDO:0015356.

Submission:

Ambry Genetics
Classification: Uncertain significance for Hereditary cancer-predisposing syndrome. Last evaluated: 2021-06-22. Review status: criteria provided, single submitter. Criteria: Ambry Variant Classification Scheme 2023. Collection method: clinical testing. Allele origin: germline.
Comment: The p.N2238I variant (also known as c.6713A>T), located in coding exon 15 of the APC gene, results from an A to T substitution at nucleotide position 6713. The asparagine at codon 2238 is replaced by isoleucine, an amino acid with dissimilar properties. This amino acid position is well conserved in available vertebrate species. In addition, in silico predictors for this gene do not accurately predict pathogenicity. Since supporting evidence is limited at this time, the clinical significance of this alteration remains unclear.